The following is an entry in ClinVar:

ClinVar aggregate classification (germline): Uncertain significance (1 of 4 stars; one submission).

Conditions:
Nemaline myopathy 2 (NEM2). Also called: Nemaline myopathy 2, autosomal recessive. Identifiers: MedGen C1850569, MONDO:0009725, OMIM 256030.

Submission:

Labcorp Genetics (formerly Invitae), Labcorp
Classification: Uncertain significance for Nemaline myopathy 2. Last evaluated: 2022-07-18. Review status: criteria provided, single submitter. Criteria: Invitae Variant Classification Sherloc (09022015). Collection method: clinical testing. Allele origin: germline.
Comment: This sequence change replaces aspartic acid, which is acidic and polar, with asparagine, which is neutral and polar, at codon 258 of the NEB protein (p.Asp258Asn). Information on the frequency of this variant in the gnomAD database is not available, as this variant may be reported differently in the database. This variant has not been reported in the literature in individuals affected with NEB-related conditions. ClinVar contains an entry for this variant (Variation ID: 465637). Experimental studies and prediction algorithms are not available or were not evaluated, and the functional significance of this variant is currently unknown. In summary, the available evidence is currently insufficient to determine the role of this variant in disease. Therefore, it has been classified as a Variant of Uncertain Significance.

NM_001164508.2(NEB):c.771_772inv (p.Asp258Asn)

Gene: NEB (nebulin; minus strand). Cytogenetic location: 2q23.3.
Variant type: Inversion.
Coding change: c.771_772inv on transcript NM_001164508.2 (MANE Select).
Protein change: p.Asp258Asn; replaces aspartic acid 258 with asparagine.
Molecular consequence: missense variant.
Genome position: GRCh38 VCF-style: chr2-151717466-CA-TG. GRCh37 (hg19) VCF-style: chr2-152573980-CA-TG.
Other names: c.771_772inv, p.Asp258Asn (NM_001164507.2, NM_001271208.2, NM_004543.5); short protein forms D258N.
Identifiers: ClinVar variation 465637 (VCV000465637.4), ClinGen allele CA658657083.